The following is an entry in ClinVar:

NM_002204.4(ITGA3):c.112C>T (p.Arg38Ter)

Gene: ITGA3 (integrin subunit alpha 3; plus strand). Cytogenetic location: 17q21.33.
Variant type: single nucleotide variant.
Coding change: c.112C>T on transcript NM_002204.4 (MANE Select); coding-DNA position 112, C replaced by T.
Protein change: p.Arg38Ter; replaces arginine 38 with a stop codon.
Molecular consequence: nonsense.
Genome position (GRCh38, 1-based): chr17:50,056,551, C>T. VCF-style: chr17-50056551-C-T. GRCh37 (hg19) VCF-style: chr17-48133915-C-T.
Other names: short protein forms R38*.
Identifiers: ClinVar variation 4856971 (VCV004856971.2).
Genomic context (GRCh38, chr17:50,056,551, plus strand): 5'-GCGCTCGCCTTGATGGTGGCGGCCGGCGGCTGCGTCGTCTCCGCCTTCAACCTGGATACC[C>T]GATTCCTGGTAGTGAAGGAGGCCGGGAACCCGGGCAGCCTCTTCGGCTACTCGGTCGCCC-3'

ClinVar aggregate classification (germline): Likely pathogenic (1 of 4 stars; one submission).

Submission:

Dasa
Classification: Likely pathogenic. Last evaluated: 2025-07-25. Review status: criteria provided, single submitter. Criteria: DASA Assertion Criteria. Collection method: clinical testing. Allele origin: germline.
Comment: NM_002204.4(ITGA3):c.112C>T (p.Arg38*) is a nonsense variant in ITGA3 predicted to introduce a premature termination codon and is predicted to result in an absent or altered protein product. Loss of function is an established disease mechanism for ITGA3-associated disorders. Also, this variant is rare in population databases. Based on the currently available evidence, this variant is classified as likely pathogenic.